The following is an entry in ClinVar:

ClinVar aggregate classification (germline): Uncertain significance (1 of 4 stars; one submission).

Conditions:
Severe combined immunodeficiency due to DNA-PKcs deficiency. Also called: Immunodeficiency 26 with or without neurologic abnormalities; IMMUNODEFICIENCY 26 WITH NEUROLOGIC ABNORMALITIES. Identifiers: Orphanet 317425, MedGen C4014833, MONDO:0014423, OMIM 615966.

Allele frequency attached by ClinVar (database versions not stated): gnomAD exomes below 0.00001.
gnomAD v4.1: 1 of 1,609,848 alleles (0.000062%); highest among the groups gnomAD compares: South Asian, 0.0011%; no homozygotes.

Submission:

Labcorp Genetics (formerly Invitae), Labcorp
Classification: Uncertain significance for Severe combined immunodeficiency due to DNA-PKcs deficiency. Last evaluated: 2022-08-19. Review status: criteria provided, single submitter. Criteria: Invitae Variant Classification Sherloc (09022015). Collection method: clinical testing. Allele origin: germline.
Comment: This sequence change replaces glycine, which is neutral and non-polar, with arginine, which is basic and polar, at codon 2064 of the PRKDC protein (p.Gly2064Arg). This variant is present in population databases (no rsID available, gnomAD 0.003%). This variant has not been reported in the literature in individuals affected with PRKDC-related conditions. Experimental studies and prediction algorithms are not available or were not evaluated, and the functional significance of this variant is currently unknown. In summary, the available evidence is currently insufficient to determine the role of this variant in disease. Therefore, it has been classified as a Variant of Uncertain Significance.

NM_006904.7(PRKDC):c.6190G>C (p.Gly2064Arg)

Gene: PRKDC (protein kinase, DNA-activated, catalytic subunit; minus strand). Cytogenetic location: 8q11.21.
Variant type: single nucleotide variant.
Coding change: c.6190G>C on transcript NM_006904.7 (MANE Select); coding-DNA position 6190, G replaced by C.
Protein change: p.Gly2064Arg; replaces glycine 2064 with arginine.
Molecular consequence: missense variant.
Genome position (GRCh38, 1-based): chr8:47,859,628, C>G on the plus strand (G>C on the coding strand, the complement: PRKDC is on the minus strand). VCF-style: chr8-47859628-C-G. GRCh37 (hg19) VCF-style: chr8-48772189-C-G.
Other names: c.6190G>C, p.Gly2064Arg (NM_001081640.2); short protein forms G2064R.
Identifiers: ClinVar variation 2016103 (VCV002016103.4), dbSNP rs1241735576, ClinGen allele CA371161147.